The following is an entry in ClinVar:

NM_175875.5(SIX5):c.1238C>T (p.Pro413Leu)

Gene: SIX5 (SIX homeobox 5; minus strand). Cytogenetic location: 19q13.32.
Variant type: single nucleotide variant.
Coding change: c.1238C>T on transcript NM_175875.5 (MANE Select); coding-DNA position 1238, C replaced by T.
Protein change: p.Pro413Leu; replaces proline 413 with leucine.
Molecular consequence: missense variant.
Genome position (GRCh38, 1-based): chr19:45,766,721, G>A on the plus strand (C>T on the coding strand, the complement: SIX5 is on the minus strand). VCF-style: chr19-45766721-G-A. GRCh37 (hg19) VCF-style: chr19-46269979-G-A.
Other names: short protein forms P413L.
Identifiers: ClinVar variation 3625347 (VCV003625347.2).
Genomic context (GRCh38, chr19:45,766,721, plus strand): 5'-GGGGGGCCAGGCACCACTTGGGCCAGGGGCCCCAGGACCTCCTCTCCAAGGGCTGGTCCC[G>A]GAGCAGCCACCTGGGCCCCTTTGGTCTCAGGGGCCTCCGACTGAGCCTCCTCCAGCCGCA-3'
Protein context (NP_787071.3, residues 403-423): PETKGAQVAA[Pro413Leu]GPALGEEVLG

ClinVar aggregate classification (germline): Uncertain significance (1 of 4 stars; one submission).

gnomAD v4.1: 12 of 1,565,886 alleles (0.00077%); highest among the groups gnomAD compares: South Asian, 0.0047%; no homozygotes.

Submission:

Labcorp Genetics (formerly Invitae), Labcorp
Classification: Uncertain significance. Last evaluated: 2024-05-16. Review status: criteria provided, single submitter. Criteria: Invitae Variant Classification Sherloc (09022015). Collection method: clinical testing. Allele origin: germline.
Comment: This sequence change replaces proline, which is neutral and non-polar, with leucine, which is neutral and non-polar, at codon 413 of the SIX5 protein (p.Pro413Leu). The frequency data for this variant in the population databases is considered unreliable, as metrics indicate poor data quality at this position in the gnomAD database. This variant has not been reported in the literature in individuals affected with SIX5-related conditions. Advanced modeling of protein sequence and biophysical properties (such as structural, functional, and spatial information, amino acid conservation, physicochemical variation, residue mobility, and thermodynamic stability) performed at Invitae indicates that this missense variant is not expected to disrupt SIX5 protein function with a negative predictive value of 80%. In summary, the available evidence is currently insufficient to determine the role of this variant in disease. Therefore, it has been classified as a Variant of Uncertain Significance.